The following is an entry in ClinVar:

NM_001080467.3(MYO5B):c.3545C>T (p.Pro1182Leu)

Gene: MYO5B (myosin VB; minus strand). Cytogenetic location: 18q21.1.
Variant type: single nucleotide variant.
Coding change: c.3545C>T on transcript NM_001080467.3 (MANE Select); coding-DNA position 3545, C replaced by T.
Protein change: p.Pro1182Leu; replaces proline 1182 with leucine.
Molecular consequence: missense variant.
Genome position (GRCh38, 1-based): chr18:49,872,225, G>A on the plus strand (C>T on the coding strand, the complement: MYO5B is on the minus strand). VCF-style: chr18-49872225-G-A. GRCh37 (hg19) VCF-style: chr18-47398595-G-A.
Other names: short protein forms P1182L.
Identifiers: ClinVar variation 1467079 (VCV001467079.8), dbSNP rs2144094058, ClinGen allele CA402428039.
Genomic context (GRCh38, chr18:49,872,225, plus strand): 5'-ACCTTCAGACTATTGTAGGCCAGATCTGCATTCGGGTCCAAATCTATGTCAGTCTGTGGT[G>A]GTTCCGCCTGCATGGATAGAGACACAAAGATAAGTGCAGACCTCGAGCAAGATATTCCAC-3'
Protein context (NP_001073936.1, residues 1172-1192): QQDSKKVQAE[Pro1182Leu]PQTDIDLDPN

ClinVar aggregate classification (germline): Uncertain significance (1 of 4 stars; one submission).

Submission:

Labcorp Genetics (formerly Invitae), Labcorp
Classification: Uncertain significance. Last evaluated: 2022-07-19. Review status: criteria provided, single submitter. Criteria: Invitae Variant Classification Sherloc (09022015). Collection method: clinical testing. Allele origin: germline.
Comment: In summary, the available evidence is currently insufficient to determine the role of this variant in disease. Therefore, it has been classified as a Variant of Uncertain Significance. Algorithms developed to predict the effect of missense changes on protein structure and function (SIFT, PolyPhen-2, Align-GVGD) all suggest that this variant is likely to be tolerated. ClinVar contains an entry for this variant (Variation ID: 1467079). This variant has not been reported in the literature in individuals affected with MYO5B-related conditions. This variant is not present in population databases (gnomAD no frequency). This sequence change replaces proline, which is neutral and non-polar, with leucine, which is neutral and non-polar, at codon 1182 of the MYO5B protein (p.Pro1182Leu).